The following is an entry in ClinVar:

ClinVar aggregate classification (germline): Uncertain significance (1 of 4 stars; one submission).

Submission:

Ambry Genetics
Classification: Uncertain significance. Last evaluated: 2026-03-09. Review status: criteria provided, single submitter. Criteria: Ambry Variant Classification Scheme 2023. Collection method: clinical testing. Allele origin: germline.
Comment: The p.K475E variant (also known as c.1423A>G), located in coding exon 14 of the SRP72 gene, results from an A to G substitution at nucleotide position 1423. The lysine at codon 475 is replaced by glutamic acid, an amino acid with similar properties. This amino acid position is conserved. In addition, the in silico prediction for this alteration is inconclusive. Based on the available evidence, the clinical significance of this variant remains unclear.

NM_006947.4(SRP72):c.1423A>G (p.Lys475Glu)

Gene: SRP72 (signal recognition particle 72; plus strand). Cytogenetic location: 4q12.
Variant type: single nucleotide variant.
Coding change: c.1423A>G on transcript NM_006947.4 (MANE Select); coding-DNA position 1423, A replaced by G.
Protein change: p.Lys475Glu; replaces lysine 475 with glutamic acid.
Molecular consequence: missense variant. On other transcripts: non-coding transcript variant (1).
Genome position (GRCh38, 1-based): chr4:56,490,435, A>G. VCF-style: chr4-56490435-A-G. GRCh37 (hg19) VCF-style: chr4-57356601-A-G.
Other names: c.1240A>G, p.Lys414Glu (NM_001267722.2); short protein forms K414E, K475E.
Identifiers: ClinVar variation 3962152 (VCV003962152.2).